The following is an entry in ClinVar:

ClinVar aggregate classification (germline): Uncertain significance (1 of 4 stars; one submission).

gnomAD v4.1: 10 of 1,613,004 alleles (0.00062%); highest among the groups gnomAD compares: Admixed American, 0.0033%; no homozygotes.

Submission:

GeneDx
Classification: Uncertain significance. Last evaluated: 2024-04-08. Review status: criteria provided, single submitter. Criteria: GeneDx Variant Classification Process June 2021. Collection method: clinical testing. Allele origin: germline. Affected: yes.
Comment: In silico analysis supports that this missense variant has a deleterious effect on protein structure/function; Has not been previously published as pathogenic or benign to our knowledge

NM_001382347.1(MYO5A):c.4568G>A (p.Arg1523His)

Gene: MYO5A (myosin VA; minus strand). Cytogenetic location: 15q21.2.
Variant type: single nucleotide variant.
Coding change: c.4568G>A on transcript NM_001382347.1 (MANE Select); coding-DNA position 4568, G replaced by A.
Protein change: p.Arg1523His; replaces arginine 1523 with histidine.
Molecular consequence: missense variant.
Genome position (GRCh38, 1-based): chr15:52,327,994, C>T on the plus strand (G>A on the coding strand, the complement: MYO5A is on the minus strand). VCF-style: chr15-52327994-C-T. GRCh37 (hg19) VCF-style: chr15-52620191-C-T.
Other names: c.4493G>A, p.Arg1498His (NM_000259.3); c.4412G>A, p.Arg1471His (NM_001142495.2); c.4640G>A, p.Arg1547His (NM_001382348.1); c.4565G>A, p.Arg1522His (NM_001382349.1); c.4484G>A, p.Arg1495His (NM_001411135.1); short protein forms R1471H, R1495H, R1498H, R1522H, R1523H, R1547H.
Identifiers: ClinVar variation 3372212 (VCV003372212.1).